The following is an entry in ClinVar:

ClinVar aggregate classification (germline): Uncertain significance. Review status: criteria provided, multiple submitters, no conflicts (2 of 4 stars). 3 submissions from 3 submitters: Uncertain significance (3). Last evaluated 2024-12-09.

Conditions:
Hereditary cancer-predisposing syndrome. Also called: Neoplastic Syndromes, Hereditary; Hereditary Cancer Syndrome; Tumor predisposition; Hereditary neoplastic syndrome. Identifiers: Orphanet 140162, MedGen C0027672, MeSH D009386, MONDO:0015356.

Allele frequency attached by ClinVar (database versions not stated): gnomAD 0.00001; TOPMed 0.00001.
gnomAD v4.1: 5 of 1,608,858 alleles (0.00031%); highest among the groups gnomAD compares: African/African-American, 0.0053%; no homozygotes.

Submissions (3):

Labcorp Genetics (formerly Invitae), Labcorp
Classification: Uncertain significance. Last evaluated: 2024-12-09. Review status: criteria provided, single submitter. Criteria: Invitae Variant Classification Sherloc (09022015). Collection method: clinical testing. Allele origin: germline.
Comment: This sequence change replaces valine, which is neutral and non-polar, with glycine, which is neutral and non-polar, at codon 774 of the POLE protein (p.Val774Gly). This variant is not present in population databases (gnomAD no frequency). This variant has not been reported in the literature in individuals affected with POLE-related conditions. ClinVar contains an entry for this variant (Variation ID: 969080). An algorithm developed to predict the effect of missense changes on protein structure and function (PolyPhen-2) suggests that this variant is likely to be disruptive. RNA analysis performed to evaluate the impact of this missense change on mRNA splicing indicates it does not significantly alter splicing (internal data). In summary, the available evidence is currently insufficient to determine the role of this variant in disease. Therefore, it has been classified as a Variant of Uncertain Significance.

GeneDx
Classification: Uncertain significance. Last evaluated: 2024-07-02. Review status: criteria provided, single submitter. Criteria: GeneDx Variant Classification Process June 2021. Collection method: clinical testing. Allele origin: germline. Affected: yes.
Comment: Not observed at significant frequency in large population cohorts (gnomAD); In silico analysis supports that this missense variant has a deleterious effect on protein structure/function; Has not been previously published as pathogenic or benign to our knowledge; This variant is associated with the following publications: (PMID: 20951805)

Ambry Genetics
Classification: Uncertain significance for Hereditary cancer-predisposing syndrome. Last evaluated: 2022-01-14. Review status: criteria provided, single submitter. Criteria: Ambry Variant Classification Scheme 2023. Collection method: clinical testing. Allele origin: germline.
Comment: The p.V774G variant (also known as c.2321T>G), located in coding exon 21 of the POLE gene, results from a T to G substitution at nucleotide position 2321. The valine at codon 774 is replaced by glycine, an amino acid with dissimilar properties. This amino acid position is conserved. In addition, the in silico prediction for this alteration is inconclusive. Since supporting evidence is limited at this time, the clinical significance of this alteration remains unclear.

NM_006231.4(POLE):c.2321T>G (p.Val774Gly)

Gene: POLE (DNA polymerase epsilon, catalytic subunit; minus strand). Cytogenetic location: 12q24.33.
Variant type: single nucleotide variant.
Coding change: c.2321T>G on transcript NM_006231.4 (MANE Select); coding-DNA position 2321, T replaced by G.
Protein change: p.Val774Gly; replaces valine 774 with glycine.
Molecular consequence: missense variant.
Genome position (GRCh38, 1-based): chr12:132,665,449, A>C on the plus strand (T>G on the coding strand, the complement: POLE is on the minus strand). VCF-style: chr12-132665449-A-C. GRCh37 (hg19) VCF-style: chr12-133242035-A-C.
Other names: short protein forms V774G.
Identifiers: ClinVar variation 969080 (VCV000969080.12), dbSNP rs771591846, ClinGen allele CA246319369.